The following is an entry in ClinVar:

ClinVar aggregate classification (germline): Benign/Likely benign. Review status: criteria provided, multiple submitters, no conflicts (2 of 4 stars). 3 submissions from 3 submitters: Benign (1); Likely benign (2). Last evaluated 2026-07-14.

Conditions:
Rhabdoid tumor predisposition syndrome 2 (RTPS2). Identifiers: Orphanet 231108, Orphanet 69077, MedGen C2750074, MONDO:0013224, OMIM 613325.
Hereditary cancer-predisposing syndrome. Also called: Tumor predisposition; Neoplastic Syndromes, Hereditary; Hereditary Cancer Syndrome; Hereditary neoplastic syndrome. Identifiers: Orphanet 140162, MedGen C0027672, MeSH D009386, MONDO:0015356.

Allele frequency attached by ClinVar (database versions not stated): gnomAD exomes below 0.00001; ExAC 0.00001; TOPMed 0.00002.
gnomAD v4.1: 3 of 1,609,640 alleles (0.00019%); highest among the groups gnomAD compares: Non-Finnish European, 0.00025%; no homozygotes.

Submissions (3):

Myriad Genetics, Inc.
Classification: Benign for Rhabdoid tumor predisposition syndrome 2. Last evaluated: 2026-07-14. Review status: criteria provided, single submitter. Criteria: Myriad Autosomal Dominant, Autosomal Recessive and X-Linked Classification Criteria (2023). Collection method: clinical testing. Allele origin: unknown.
Comment: This variant is considered benign. This variant is a silent/synonymous amino acid change and it is not expected to impact splicing.

Labcorp Genetics (formerly Invitae), Labcorp
Classification: Likely benign for Rhabdoid tumor predisposition syndrome 2. Last evaluated: 2025-03-11. Review status: criteria provided, single submitter. Criteria: Invitae Variant Classification Sherloc (09022015). Collection method: clinical testing. Allele origin: germline.

Ambry Genetics
Classification: Likely benign for Hereditary cancer-predisposing syndrome. Last evaluated: 2016-02-11. Review status: criteria provided, single submitter. Criteria: Ambry Variant Classification Scheme 2023. Collection method: clinical testing. Allele origin: germline.

NM_003072.5(SMARCA4):c.3453C>T (p.Ile1151=)

Gene: SMARCA4 (SWI/SNF related BAF chromatin remodeling complex subunit ATPase 4; plus strand). Cytogenetic location: 19p13.2.
Variant type: single nucleotide variant.
Coding change: c.3453C>T on transcript NM_003072.5 (MANE Select); coding-DNA position 3453, C replaced by T.
Protein change: p.Ile1151=; no amino-acid change (isoleucine 1151 retained).
Molecular consequence: synonymous variant. On other transcripts: non-coding transcript variant (1).
Genome position (GRCh38, 1-based): chr19:11,030,800, C>T. VCF-style: chr19-11030800-C-T. GRCh37 (hg19) VCF-style: chr19-11141476-C-T.
Other names: c.3453C>T, p.Ile1151= (NM_001128844.3, NM_001128845.2, NM_001128846.2 and 5 more transcripts).
Identifiers: ClinVar variation 486464 (VCV000486464.16), dbSNP rs778831503, ClinGen allele CA9204429.
Genomic context (GRCh38, chr19:11,030,800, plus strand): 5'-GGCGGAGGACCGGGGCATGCTGCTGAAAACCTTCAACGAGCCCGGCTCTGAGTACTTCAT[C>T]TTCCTGCTCAGCACCCGGGCTGGGGGGCTCGGCCTGAACCTCCAGTCGGCAGACACTGTG-3'
Protein context (NP_003063.2, residues 1141-1161): TFNEPGSEYF[Ile1151=]FLLSTRAGGL